The following is an entry in ClinVar:

NM_000057.4(BLM):c.547G>A (p.Ala183Thr)

Gene: BLM (BLM RecQ like helicase; plus strand). Cytogenetic location: 15q26.1.
Variant type: single nucleotide variant.
Coding change: c.547G>A on transcript NM_000057.4 (MANE Select); coding-DNA position 547, G replaced by A.
Protein change: p.Ala183Thr; replaces alanine 183 with threonine.
Molecular consequence: missense variant. On other transcripts: 5 prime UTR variant (1).
Genome position (GRCh38, 1-based): chr15:90,749,815, G>A. VCF-style: chr15-90749815-G-A. GRCh37 (hg19) VCF-style: chr15-91293045-G-A.
Other names: c.547G>A, p.Ala183Thr (NM_001287246.2, NM_001287247.2); c.-745G>A (NM_001287248.2); short protein forms A183T.
Identifiers: ClinVar variation 5032930 (VCV005032930.1).

ClinVar aggregate classification (germline): Uncertain significance (1 of 4 stars; one submission).

Conditions:
Hereditary cancer-predisposing syndrome. Also called: Neoplastic Syndromes, Hereditary; Tumor predisposition; Hereditary neoplastic syndrome; Hereditary Cancer Syndrome. Identifiers: Orphanet 140162, MedGen C0027672, MeSH D009386, MONDO:0015356.

Submission:

Ambry Genetics
Classification: Uncertain significance for Hereditary cancer-predisposing syndrome. Last evaluated: 2026-08-25. Review status: criteria provided, single submitter. Criteria: Ambry Variant Classification Scheme 2023. Collection method: clinical testing. Allele origin: germline.
Comment: The p.A183T variant (also known as c.547G>A), located in coding exon 2 of the BLM gene, results from a G to A substitution at nucleotide position 547. The alanine at codon 183 is replaced by threonine, an amino acid with similar properties. This amino acid position is conserved. In addition, this alteration is predicted to be tolerated by in silico analysis. Based on the available evidence, the clinical significance of this variant remains unclear.